The following is an entry in ClinVar:

NM_014008.5(CCDC22):c.1113C>T (p.His371=)

Gene: CCDC22 (CCC complex scaffolding subunit CCDC22; plus strand). Cytogenetic location: Xp11.23.
Variant type: single nucleotide variant.
Coding change: c.1113C>T on transcript NM_014008.5 (MANE Select); coding-DNA position 1113, C replaced by T.
Protein change: p.His371=; no amino-acid change (histidine 371 retained).
Molecular consequence: synonymous variant.
Genome position (GRCh38, 1-based): chrX:49,248,211, C>T. VCF-style: chrX-49248211-C-T. GRCh37 (hg19) VCF-style: chrX-49104672-C-T.
Identifiers: ClinVar variation 1176935 (VCV001176935.35), dbSNP rs148969169, ClinGen allele CA10411415.

ClinVar aggregate classification (germline): Likely benign (1 of 4 stars; one submission).

Allele frequency attached by ClinVar (database versions not stated): ExAC 0.00003; ESP Exome Variant Server 0.00019; gnomAD 0.00001; TOPMed 0.00001; gnomAD exomes 0.00002.
gnomAD v4.1: 21 of 1,202,270 alleles (0.0017%); highest among the groups gnomAD compares: Non-Finnish European, 0.0023%; no homozygotes.

Submission:

CeGaT Center for Human Genetics Tuebingen
Classification: Likely benign. Last evaluated: 2022-05-01. Review status: criteria provided, single submitter. Criteria: CeGaT Center For Human Genetics Tuebingen Variant Classification Criteria Version 2. Collection method: clinical testing. Allele origin: germline. Affected: yes. Observed: 2 variant alleles.
Comment: CCDC22: BP4, BP7